The following is an entry in ClinVar:

ClinVar aggregate classification (germline): Uncertain significance (1 of 4 stars; one submission).

Conditions:
Spinocerebellar ataxia type 29 (SCA29). Also called: CEREBELLAR ATAXIA, CONGENITAL NONPROGRESSIVE, AUTOSOMAL DOMINANT; Spinocerebellar ataxia 29, congenital nonprogressive. Identifiers: Orphanet 208513, MedGen C1861732, MONDO:0007298, OMIM 117360.

Allele frequency attached by ClinVar (database versions not stated): gnomAD exomes below 0.00001.
gnomAD v4.1: 1 of 1,605,386 alleles (0.000062%); highest among the groups gnomAD compares: Middle Eastern, 0.017%; no homozygotes.

Submission:

Baylor Genetics
Classification: Uncertain significance for Spinocerebellar ataxia type 29. Last evaluated: 2020-06-09. Review status: criteria provided, single submitter. Criteria: ACMG Guidelines, 2015. Collection method: clinical testing. Allele origin: unknown. Affected: yes.
Comment: This variant was determined to be of uncertain significance according to ACMG Guidelines, 2015 [PMID:25741868].

NM_001378452.1(ITPR1):c.1176C>G (p.His392Gln)

Gene: ITPR1 (inositol 1,4,5-trisphosphate receptor type 1; plus strand). Cytogenetic location: 3p26.1.
Variant type: single nucleotide variant.
Coding change: c.1176C>G on transcript NM_001378452.1 (MANE Select); coding-DNA position 1176, C replaced by G.
Protein change: p.His392Gln; replaces histidine 392 with glutamine.
Molecular consequence: missense variant.
Genome position (GRCh38, 1-based): chr3:4,661,012, C>G. VCF-style: chr3-4661012-C-G. GRCh37 (hg19) VCF-style: chr3-4702696-C-G.
Other names: c.1176C>G, p.His392Gln (NM_001099952.4); c.1131C>G, p.His377Gln (NM_001168272.2, NM_002222.7); short protein forms H377Q, H392Q.
Identifiers: ClinVar variation 1028565 (VCV001028565.1), dbSNP rs2093820776, ClinGen allele CA351640229.
Genomic context (GRCh38, chr3:4,661,012, plus strand): 5'-TTTATTTCCCTAAAACCCTCCTTTTTTCCCTGTTAGGAACTCTTATGTTCGGCTCAGACA[C>G]CTATGTACTAATACCTGGGTTCACAGCACAAATATTCCTATTGACAAGGAAGAAGAAAAG-3'
Protein context (NP_001365381.1, residues 382-402): VPRNSYVRLR[His392Gln]LCTNTWVHST